The following is an entry in ClinVar:

NM_001844.5(COL2A1):c.2492G>T (p.Gly831Val)

Gene: COL2A1 (collagen type II alpha 1 chain; minus strand). Cytogenetic location: 12q13.11.
Variant type: single nucleotide variant.
Coding change: c.2492G>T on transcript NM_001844.5 (MANE Select); coding-DNA position 2492, G replaced by T.
Protein change: p.Gly831Val; replaces glycine 831 with valine.
Molecular consequence: missense variant.
Genome position (GRCh38, 1-based): chr12:47,980,940, C>A on the plus strand (G>T on the coding strand, the complement: COL2A1 is on the minus strand). VCF-style: chr12-47980940-C-A. GRCh37 (hg19) VCF-style: chr12-48374723-C-A.
Other names: c.2285G>T, p.Gly762Val (NM_033150.3); short protein forms G831V, G762V.
Identifiers: ClinVar variation 445376 (VCV000445376.3), dbSNP rs1555166013, ClinGen allele CA384544960.

ClinVar aggregate classification (germline): Pathogenic (1 of 4 stars; one submission).

Conditions:
Spondyloepiphyseal dysplasia, Stanescu type. Also called: SED, STANESCU TYPE; SPONDYLOEPIMETAPHYSEAL DYSPLASIA, STANESCU TYPE. Identifiers: Orphanet 459051, MedGen C4225273, MONDO:0014701, OMIM 616583.

Submission:

Center for Pediatric Genomic Medicine, Children's Mercy Hospital and Clinics
Classification: Pathogenic for Spondyloepiphyseal dysplasia, Stanescu type. Last evaluated: 2017-04-01. Review status: criteria provided, single submitter. Criteria: ACMG Guidelines, 2015. Collection method: clinical testing. Allele origin: de novo. Affected: yes.
Comment: PS1, PS2, PM1, PM2, PM5, PP3